The following is an entry in ClinVar:

NM_000085.5(CLCNKB):c.910C>T (p.Arg304Ter)

Genes: CLCNKB (chloride voltage-gated channel Kb; plus strand), LOC106501713 (CLCNKB recombination region; plus strand). Cytogenetic location: 1p36.13.
Variant type: single nucleotide variant.
Coding change: c.910C>T on transcript NM_000085.5 (MANE Select); coding-DNA position 910, C replaced by T.
Protein change: p.Arg304Ter; replaces arginine 304 with a stop codon.
Molecular consequence: nonsense.
Genome position (GRCh38, 1-based): chr1:16,049,858, C>T. VCF-style: chr1-16049858-C-T. GRCh37 (hg19) VCF-style: chr1-16376353-C-T.
Other names: p.(Arg304*); c.910C>T (NM_000085.3); c.403C>T, p.Arg135Ter (NM_001165945.2); short protein forms R135*, R304*.
Identifiers: ClinVar variation 801448 (VCV000801448.14), dbSNP rs377215024, ClinGen allele CA623590.

ClinVar aggregate classification (germline): Pathogenic/Likely pathogenic. Review status: criteria provided, multiple submitters, no conflicts (2 of 4 stars). 11 submissions from 10 submitters: Pathogenic (8); Likely pathogenic (2). 1 of the submissions does not count toward it. Last evaluated 2026-05-14.

Conditions:
Bartter disease type 3. Also called: Bartter syndrome type 3. Identifiers: Orphanet 112, Orphanet 93605, MedGen C1846343, MONDO:0011822, OMIM 607364.
Bartter disease type 4B. Also called: BARTTER SYNDROME, TYPE 4B, NEONATAL, WITH SENSORINEURAL DEAFNESS; BARTTER SYNDROME, TYPE 4B; Bartter syndrome, type 4b, digenic. Identifiers: Orphanet 112, MedGen C4310805, MONDO:0000909, OMIM 613090.
Autosomal dominant osteopetrosis 1 (OPTA1). Also called: OSTEOPETROSIS, AUTOSOMAL DOMINANT, TYPE I. Identifiers: Orphanet 2783, MedGen C1843330, MONDO:0011877, OMIM 607634.
CLCNKB-related disorders.
Renal tubulopathies.

Allele frequency attached by ClinVar (database versions not stated): TOPMed 0.00003; gnomAD 0.00004; ESP Exome Variant Server 0.00031.

Submissions (11):

Genetics Laboratory, Great Ormond Street Hospital NHS Foundation Trust, North Thames Genomic Laboratory Hub
Classification: Pathogenic for Renal tubulopathies. Last evaluated: 2026-05-14. Review status: criteria provided, single submitter. Criteria: ACGS Best Practice Guidelines for Variant Classification in Rare Disease 2024 v1.2. Collection method: clinical testing. Allele origin: germline. Affected: yes.
Comment: PM2_moderate, PVS1_very-strong, PP1_moderate, PM3_supporting

Department of Molecular Genetics, Istishari Arab Hospital
Classification: Pathogenic for Bartter disease type 3. Last evaluated: 2026-04-15. Review status: criteria provided, single submitter. Criteria: ACMG Guidelines, 2015. Collection method: clinical testing. Allele origin: germline. Inheritance: Autosomal dominant inheritance. Affected: yes.
Comment: The CLCNKB variant c.910C>T p.(Arg304*) creates a premature stop codon in exon(s) no. 10 (of 20). According to HGMD Professional 2024.1, this variant has previously been described as disease-causing for Bartter syndrome 3 (PMID:36305432, 35628451). It is classified as pathogenic based on the implementation of the ACMG/AMP/ClinGen SVI guidelines.

Blueprint Genetics
Classification: Likely pathogenic for CLCNKB-related disorders. Last evaluated: 2024-10-23. Review status: criteria provided, single submitter. Criteria: ACMG Guidelines, 2015. Collection method: clinical testing. Allele origin: germline. Affected: yes. Observed: 4 variant alleles.

3billion
Classification: Pathogenic for Bartter disease type 3. Last evaluated: 2024-09-04. Review status: criteria provided, single submitter. Criteria: ACMG Guidelines, 2015. Collection method: clinical testing. Allele origin: germline. Affected: yes.
Comment: The variant is observed at an extremely low frequency in the gnomAD v4.0.0 dataset (total allele frequency: 0.006%). Predicted Consequence/Location: Stop-gained (nonsense): predicted to result in a loss or disruption of normal protein function through nonsense-mediated decay (NMD) or protein truncation. Multiple pathogenic variants are reported downstream of the variant. The variant has been reported at least twice as pathogenic without evidence for the classification (ClinVar ID: VCV000801448 /PMID: 36305432). Therefore, this variant is classified as Pathogenic according to the recommendation of ACMG/AMP guideline.

Fulgent Genetics
Classification: Pathogenic for Bartter disease type 3; Bartter disease type 4B. Last evaluated: 2024-06-03. Review status: criteria provided, single submitter. Criteria: ACMG Guidelines, 2015. Collection method: clinical testing. Allele origin: germline.

GeneDx
Classification: Pathogenic. Last evaluated: 2019-08-20. Review status: criteria provided, single submitter. Criteria: GeneDx Variant Classification Process June 2021. Collection method: clinical testing. Allele origin: germline. Affected: yes.
Comment: Has not been previously published as pathogenic or benign to our knowledge; Nonsense variant predicted to result in protein truncation or nonsense mediated decay in a gene for which loss-of-function is a known mechanism of disease

Mendelics
Classification: Pathogenic for Bartter disease type 3. Last evaluated: 2019-05-28. Review status: criteria provided, single submitter. Criteria: Mendelics Assertion Criteria 2017. Collection method: clinical testing. Allele origin: unknown.

Kasturba Medical College, Manipal, Kasturba Medical College, Manipal, Manipal Academy of Higher Education, Manipal, India
Classification: Pathogenic for Bartter disease type 3. Review status: criteria provided, single submitter. Criteria: ACMG Guidelines, 2015. Collection method: research. Allele origin: biparental. Inheritance: Autosomal recessive inheritance. Affected: yes. Observed: 1 homozygote.
Comment: This variant is present in 102 individuals in heterozygous state (allele frequency: 0.00006321) and absent in homozygous state in the gnomAD (v4.1.0) population database. There is one individual with this variant in heterozygous state in our in-house database of 3521 exomes.

Neuberg Centre For Genomic Medicine, NCGM
Classification: Likely pathogenic for Autosomal dominant osteopetrosis 1. Review status: criteria provided, single submitter. Criteria: ACMG Guidelines, 2015. Collection method: clinical testing. Allele origin: germline. Inheritance: Autosomal recessive inheritance. Affected: yes.
Comment: The stop gained p.R304* in CLCNKB (NM_000085.5) has been reported to ClinVar as Pathogenic with no functional evidence. It has not been reported previously in literature. The p.R304* variant is observed in 9/1,13,706 (0.0079%) alleles from individuals of European (Non-Finnish) background in gnomAD Exomes and is novel (not in any individuals) in 1000 Genomes. This variant is predicted to cause loss of normal protein function through protein truncation. For these reasons, this variant has been classified as Likely Pathogenic.

Neuberg Centre For Genomic Medicine, NCGM
Classification: Pathogenic for Bartter disease type 3. Review status: criteria provided, single submitter. Criteria: ACMG Guidelines, 2015. Collection method: clinical testing. Allele origin: germline. Inheritance: Autosomal recessive inheritance. Affected: yes.
Comment: The stop gained c.910C>T(p.Arg304Ter) variant in CLCNKB gene has been reported previously in multiple individuals in homozygous / compound heterozygous state affected with Bartter syndrome (Gargano G, et al., 2020; Güven S, et al., 2022; Messa AC, et al., 2020). This variant is predicted to cause loss of normal protein function through protein truncation. Loss of function variants have been previously reported to be disease causing. For these reasons, this variant has been classified as Pathogenic

Genetics laboratory, Institute of Kidney Diseases & Research Centre Dr. H.L. Trivedi Institute Of Transplantation Sciences
Classification: Pathogenic for Bartter disease type 3. Review status: no assertion criteria provided. Collection method: clinical testing. Allele origin: germline. Inheritance: Autosomal recessive inheritance. Affected: yes. Observed: 1 variant allele, 1 homozygote. Not counted in ClinVar's aggregate classification.

Literature cited by the submitters: PubMed 36305432 (cited by Department of Molecular Genetics, Istishari Arab Hospital and 3billion).